The following is an entry in ClinVar:

NM_017986.4(SLC52A1):c.227G>A (p.Gly76Asp)

Gene: SLC52A1 (solute carrier family 52 member 1; minus strand). Cytogenetic location: 17p13.2.
Variant type: single nucleotide variant.
Coding change: c.227G>A on transcript NM_017986.4 (MANE Select); coding-DNA position 227, G replaced by A.
Protein change: p.Gly76Asp; replaces glycine 76 with aspartic acid.
Molecular consequence: missense variant.
Genome position (GRCh38, 1-based): chr17:5,034,262, C>T on the plus strand (G>A on the coding strand, the complement: SLC52A1 is on the minus strand). VCF-style: chr17-5034262-C-T. GRCh37 (hg19) VCF-style: chr17-4937557-C-T.
Other names: c.227G>A, p.Gly76Asp (NM_001104577.2); short protein forms G76D.
Identifiers: ClinVar variation 2860631 (VCV002860631.3), dbSNP rs1228078343, ClinGen allele CA397332355.

ClinVar aggregate classification (germline): Uncertain significance (1 of 4 stars; one submission).

Conditions:
Vitamin B2 deficiency. Identifiers: MedGen C0035528.

Allele frequency attached by ClinVar (database versions not stated): gnomAD exomes 0.00001.
gnomAD v4.1: 3 of 1,611,670 alleles (0.00019%); highest among the groups gnomAD compares: Non-Finnish European, 0.00025%; no homozygotes.

Submission:

Labcorp Genetics (formerly Invitae), Labcorp
Classification: Uncertain significance for Vitamin B2 deficiency. Last evaluated: 2023-04-29. Review status: criteria provided, single submitter. Criteria: Invitae Variant Classification Sherloc (09022015). Collection method: clinical testing. Allele origin: germline.
Comment: In summary, the available evidence is currently insufficient to determine the role of this variant in disease. Therefore, it has been classified as a Variant of Uncertain Significance. An algorithm developed to predict the effect of missense changes on protein structure and function (PolyPhen-2) suggests that this variant is likely to be tolerated. This sequence change replaces glycine, which is neutral and non-polar, with aspartic acid, which is acidic and polar, at codon 76 of the SLC52A1 protein (p.Gly76Asp). This variant is not present in population databases (gnomAD no frequency). This variant has not been reported in the literature in individuals affected with SLC52A1-related conditions.